The following is an entry in ClinVar:

ClinVar aggregate classification (germline): Uncertain significance (1 of 4 stars; one submission).

gnomAD v4.1: 4 of 1,613,994 alleles (0.00025%); highest among the groups gnomAD compares: Non-Finnish European, 0.00034%; no homozygotes.

Submission:

GeneDx
Classification: Uncertain significance. Last evaluated: 2025-04-28. Review status: criteria provided, single submitter. Criteria: GeneDx Variant Classification Process June 2021. Collection method: clinical testing. Allele origin: germline. Affected: yes.
Comment: Not observed at significant frequency in large population cohorts (gnomAD); In silico analysis supports that this missense variant does not alter protein structure/function; Has not been previously published as pathogenic or benign to our knowledge

NM_015335.5(MED13L):c.3611G>A (p.Cys1204Tyr)

Gene: MED13L (mediator complex subunit 13L; minus strand). Cytogenetic location: 12q24.21.
Variant type: single nucleotide variant.
Coding change: c.3611G>A on transcript NM_015335.5 (MANE Select); coding-DNA position 3611, G replaced by A.
Protein change: p.Cys1204Tyr; replaces cysteine 1204 with tyrosine.
Molecular consequence: missense variant.
Genome position (GRCh38, 1-based): chr12:115,991,343, C>T on the plus strand (G>A on the coding strand, the complement: MED13L is on the minus strand). VCF-style: chr12-115991343-C-T. GRCh37 (hg19) VCF-style: chr12-116429148-C-T.
Other names: short protein forms C1204Y.
Identifiers: ClinVar variation 3371953 (VCV003371953.2).